The following is an entry in ClinVar:

NM_018907.4(PCDHA4):c.405A>G (p.Ala135=)

Genes: PCDHA1 (protocadherin alpha 1; plus strand), PCDHA2 (protocadherin alpha 2; plus strand), PCDHA3 (protocadherin alpha 3; plus strand), PCDHA4 (protocadherin alpha 4; plus strand), PCDHA@ (protocadherin alpha cluster, complex locus; plus strand). Cytogenetic location: 5q31.3.
Variant type: single nucleotide variant.
Coding change: c.405A>G on transcript NM_018907.4 (MANE Select); coding-DNA position 405, A replaced by G.
Protein change: p.Ala135=; no amino-acid change (alanine 135 retained).
Molecular consequence: synonymous variant. On other transcripts: intron variant (4).
Genome position (GRCh38, 1-based): chr5:140,807,592, A>G. VCF-style: chr5-140807592-A-G. GRCh37 (hg19) VCF-style: chr5-140187177-A-G.
Other names: c.405A>G, p.Ala135= (NM_031500.3); c.2394+18908A>G (NM_018900.4); c.1602+19700A>G (NM_031411.3); c.2388+10240A>G (NM_018905.3); c.2394+4001A>G (NM_018906.3).
Identifiers: ClinVar variation 2655753 (VCV002655753.24), dbSNP rs551466956, ClinGen allele CA3446961.

ClinVar aggregate classification (germline): Likely benign (1 of 4 stars; one submission).

Allele frequency attached by ClinVar (database versions not stated): ExAC 0.00026; 1000 Genomes Project 0.00060; 1000 Genomes Project 30x 0.00062.

Submission:

CeGaT Center for Human Genetics Tuebingen
Classification: Likely benign. Last evaluated: 2026-06-01. Review status: criteria provided, single submitter. Criteria: CeGaT Center For Human Genetics Tuebingen Variant Classification Criteria Version 2. Collection method: clinical testing. Allele origin: germline. Affected: yes. Observed: 4 variant alleles.
Comment: PCDHA4: BP4, BP7